The following is an entry in ClinVar:

ClinVar aggregate classification (germline): Uncertain significance (1 of 4 stars; one submission).

Allele frequency attached by ClinVar (database versions not stated): gnomAD 0.00001; TOPMed below 0.00001.

Submission:

Labcorp Genetics (formerly Invitae), Labcorp
Classification: Uncertain significance. Last evaluated: 2025-03-17. Review status: criteria provided, single submitter. Criteria: Invitae Variant Classification Sherloc (09022015). Collection method: clinical testing. Allele origin: germline.
Comment: This sequence change replaces phenylalanine, which is neutral and non-polar, with tyrosine, which is neutral and polar, at codon 331 of the GPR45 protein (p.Phe331Tyr). This variant is present in population databases (no rsID available, gnomAD 0.007%). This variant has not been reported in the literature in individuals affected with GPR45-related conditions. ClinVar contains an entry for this variant (Variation ID: 2994145). An algorithm developed to predict the effect of missense changes on protein structure and function (PolyPhen-2) suggests that this variant is likely to be disruptive. In summary, the available evidence is currently insufficient to determine the role of this variant in disease. Therefore, it has been classified as a Variant of Uncertain Significance.

NM_007227.3(GPR45):c.992T>A (p.Phe331Tyr)

Gene: GPR45 (G protein-coupled receptor 45; plus strand). Cytogenetic location: 2q12.1.
Variant type: single nucleotide variant.
Coding change: c.992T>A on transcript NM_007227.3 (MANE Select); coding-DNA position 992, T replaced by A.
Protein change: p.Phe331Tyr; replaces phenylalanine 331 with tyrosine.
Molecular consequence: missense variant.
Genome position (GRCh38, 1-based): chr2:105,242,850, T>A. VCF-style: chr2-105242850-T-A. GRCh37 (hg19) VCF-style: chr2-105859307-T-A.
Other names: short protein forms F331Y.
Identifiers: ClinVar variation 2994145 (VCV002994145.3), dbSNP rs1258687311, ClinGen allele CA348101673.
Genomic context (GRCh38, chr2:105,242,850, plus strand): 5'-GGCTCAGTTACCTCAAGTCCGTCTTCAACCCCATCGTCTACTGCTGGAGAATCAAAAAAT[T>A]CCGCGAGGCCTGCATAGAGTTGCTGCCCCAGACCTTCCAAATCCTCCCCAAAGTGCCTGA-3'
Protein context (NP_009158.3, residues 321-341): PIVYCWRIKK[Phe331Tyr]REACIELLPQ